The following is an entry in ClinVar:

NM_001080467.3(MYO5B):c.2702G>A (p.Arg901Gln)

Gene: MYO5B (myosin VB; minus strand). Cytogenetic location: 18q21.1.
Variant type: single nucleotide variant.
Coding change: c.2702G>A on transcript NM_001080467.3 (MANE Select); coding-DNA position 2702, G replaced by A.
Protein change: p.Arg901Gln; replaces arginine 901 with glutamine.
Molecular consequence: missense variant.
Genome position (GRCh38, 1-based): chr18:49,902,703, C>T on the plus strand (G>A on the coding strand, the complement: MYO5B is on the minus strand). VCF-style: chr18-49902703-C-T. GRCh37 (hg19) VCF-style: chr18-47429073-C-T.
Other names: short protein forms R901Q.
Identifiers: ClinVar variation 892480 (VCV000892480.14), dbSNP rs199782770, ClinGen allele CA8960970.
Genomic context (GRCh38, chr18:49,902,703, plus strand): 5'-ACGTTGAGACGTTTCAGATGCTCTGCTGAGCGGGCCTCAATCCTGAGGGCCTTCAGCTCC[C>T]GCCTGGCCTTGAGCATCCGGAAGGCACACTGGATGACAATGGCTGCATCCCGCAGCCGCT-3'
Protein context (NP_001073936.1, residues 891-911): QCAFRMLKAR[Arg901Gln]ELKALRIEAR

ClinVar aggregate classification (germline): Benign/Likely benign. Review status: criteria provided, multiple submitters, no conflicts (2 of 4 stars). 4 submissions from 4 submitters: Benign (1); Likely benign (2). 1 of the submissions does not count toward it. Last evaluated 2025-10-13.

Conditions:
Congenital microvillous atrophy (DIAR2). Also called: CONGENITAL FAMILIAL PROTRACTED DIARRHEA WITH ENTEROCYTE BRUSH-BORDER ABNORMALITIES; DAVIDSON DISEASE; MICROVILLUS ATROPHY, CONGENITAL; Microvillus inclusion disease; Diarrhea 2 with microvillus atrophy, with or without cholestasis. Identifiers: Orphanet 2290, MedGen C0341306, MONDO:0009635, OMIM 251850.
MYO5B-related disorder. Also called: MYO5B-related condition.
Inborn genetic diseases. Identifiers: MedGen C0950123, MeSH D030342.

Allele frequency attached by ClinVar (database versions not stated): gnomAD 0.00006 and 0.00019; TOPMed 0.00006; ESP Exome Variant Server 0.00024; gnomAD exomes 0.00048 and 0.00072; ExAC 0.00092; 1000 Genomes Project 30x 0.00109; 1000 Genomes Project 0.00140.
gnomAD v4.1: 726 of 1,612,078 alleles (0.045%); highest among the groups gnomAD compares: South Asian, 0.55%; 12 homozygotes.

Submissions (4):

Labcorp Genetics (formerly Invitae), Labcorp
Classification: Benign. Last evaluated: 2025-10-13. Review status: criteria provided, single submitter. Criteria: Invitae Variant Classification Sherloc (09022015). Collection method: clinical testing. Allele origin: germline.

Ambry Genetics
Classification: Likely benign for Inborn genetic diseases. Last evaluated: 2022-03-29. Review status: criteria provided, single submitter. Criteria: Ambry Variant Classification Scheme 2023. Collection method: clinical testing. Allele origin: germline.

Illumina Laboratory Services, Illumina
Classification: Likely benign for Congenital microvillous atrophy. Last evaluated: 2018-01-13. Review status: criteria provided, single submitter. Criteria: ICSL Variant Classification Criteria 13 December 2019. Collection method: clinical testing. Allele origin: germline.
Comment: This variant was observed in the ICSL laboratory as part of a predisposition screen in an ostensibly healthy population. It had not been previously curated by ICSL or reported in the Human Gene Mutation Database (HGMD: prior to June 1st, 2018), and was therefore a candidate for classification through an automated scoring system. Utilizing variant allele frequency, disease prevalence and penetrance estimates, and inheritance mode, an automated score was calculated to assess if this variant is too frequent to cause the disease. Based on the score and internal cut-off values, a variant classified as likely benign is not then subjected to further curation. The score for this variant resulted in a classification of likely benign for this disease.

PreventionGenetics, part of Exact Sciences
Classification: Likely benign for MYO5B-related condition. Last evaluated: 2022-04-05. Review status: no assertion criteria provided. Collection method: clinical testing. Allele origin: germline. Not counted in ClinVar's aggregate classification.
Comment: This variant is classified as likely benign based on ACMG/AMP sequence variant interpretation guidelines (Richards et al. 2015 PMID: 25741868, with internal and published modifications).